The following is an entry in ClinVar:

ClinVar aggregate classification (germline): Uncertain significance (1 of 4 stars; one submission).

Conditions:
Cardiomyopathy (CMYO). Also called: Cardiomyopathies. Identifiers: Orphanet 167848, MedGen C0878544, MONDO:0004994, HP:0001638. Inheritance: Various modes of inheritance.

Submission:

Color Diagnostics, LLC DBA Color Health
Classification: Uncertain significance for Cardiomyopathy. Last evaluated: 2025-09-05. Review status: criteria provided, single submitter. Criteria: ACMG Guidelines, 2015. Collection method: clinical testing. Allele origin: germline.
Comment: This missense variant replaces glutamic acid with glycine at codon 461 of the MYBPC3 protein. Computational prediction suggests that this variant may have deleterious impact on protein structure and function. To our knowledge, functional studies have not been reported for this variant. This variant has not been reported in individuals affected with MYBPC3-related disorders in the literature. This variant has not been identified in the general population by the Genome Aggregation Database (gnomAD). The available evidence is insufficient to determine the role of this variant in disease conclusively. Therefore, this variant is classified as a Variant of Uncertain Significance.

NM_000256.3(MYBPC3):c.1382A>G (p.Glu461Gly)

Gene: MYBPC3 (myosin binding protein C3; minus strand). Cytogenetic location: 11p11.2.
Variant type: single nucleotide variant.
Coding change: c.1382A>G on transcript NM_000256.3 (MANE Select); coding-DNA position 1382, A replaced by G.
Protein change: p.Glu461Gly; replaces glutamic acid 461 with glycine.
Molecular consequence: missense variant.
Genome position (GRCh38, 1-based): chr11:47,342,905, T>C on the plus strand (A>G on the coding strand, the complement: MYBPC3 is on the minus strand). VCF-style: chr11-47342905-T-C. GRCh37 (hg19) VCF-style: chr11-47364456-T-C.
Other names: short protein forms E461G.
Identifiers: ClinVar variation 4757799 (VCV004757799.1).